The following is an entry in ClinVar:

NM_025114.4(CEP290):c.4431A>G (p.Leu1477=)

Gene: CEP290 (centrosomal protein 290; minus strand). Cytogenetic location: 12q21.32.
Variant type: single nucleotide variant.
Coding change: c.4431A>G on transcript NM_025114.4 (MANE Select); coding-DNA position 4431, A replaced by G.
Protein change: p.Leu1477=; no amino-acid change (leucine 1477 retained).
Molecular consequence: synonymous variant.
Genome position (GRCh38, 1-based): chr12:88,086,045, T>C on the plus strand (A>G on the coding strand, the complement: CEP290 is on the minus strand). VCF-style: chr12-88086045-T-C. GRCh37 (hg19) VCF-style: chr12-88479822-T-C.
Other names: c.4431A>G (NM_025114.3).
Identifiers: ClinVar variation 1127703 (VCV001127703.10), dbSNP rs1435937461, ClinGen allele CA481076768.

ClinVar aggregate classification (germline): Likely benign. Review status: criteria provided, multiple submitters, no conflicts (2 of 4 stars). 2 submissions from 2 submitters: Likely benign (2). Last evaluated 2026-01-20.

Conditions:
CEP290-related disorder. Also called: CEP290-related condition; CEP290-related disorders. Identifiers: MedGen CN239314.
Meckel-Gruber syndrome. Also called: DYSENCEPHALIA SPLANCHNOCYSTICA; Dysencephalia splachnocystica; GRUBER SYNDROME. Identifiers: Orphanet 564, MedGen C0265215, MONDO:0018921.
Joubert syndrome. Also called: Familial aplasia of the vermis; JOUBERT-BOLTSHAUSER SYNDROME. Identifiers: Orphanet 475, MedGen C5979921, MONDO:0018772.
Nephronophthisis. Also called: Juvenile Nephronophthisis. Identifiers: Orphanet 655, MedGen C0687120, MONDO:0019005, HP:0000090.

Allele frequency attached by ClinVar (database versions not stated): gnomAD exomes below 0.00001 and 0.00001; gnomAD 0.00001; TOPMed 0.00001.
gnomAD v4.1: 5 of 1,609,486 alleles (0.00031%); highest among the groups gnomAD compares: African/African-American, 0.0013%; no homozygotes.

Submissions (2):

Labcorp Genetics (formerly Invitae), Labcorp
Classification: Likely benign for Joubert syndrome; Meckel-Gruber syndrome; Nephronophthisis. Last evaluated: 2026-01-20. Review status: criteria provided, single submitter. Criteria: Invitae Variant Classification Sherloc (09022015). Collection method: clinical testing. Allele origin: germline.

PreventionGenetics, part of Exact Sciences
Classification: Likely benign for CEP290-related condition. Last evaluated: 2025-05-09. Review status: criteria provided, single submitter. Criteria: ACMG Guidelines, 2015. Collection method: clinical testing. Allele origin: germline.
Comment: This variant is classified as likely benign based on ACMG/AMP sequence variant interpretation guidelines (Richards et al. 2015 PMID: 25741868, with internal and published modifications).